The following is an entry in ClinVar:

ClinVar aggregate classification (germline): Uncertain significance (1 of 4 stars; one submission).

gnomAD v4.1: 1 of 1,551,510 alleles (0.000064%); highest among the groups gnomAD compares: East Asian, 0.0024%; no homozygotes.

Submission:

GeneDx
Classification: Uncertain significance. Last evaluated: 2024-11-13. Review status: criteria provided, single submitter. Criteria: GeneDx Variant Classification Process June 2021. Collection method: clinical testing. Allele origin: germline. Affected: yes.
Comment: In silico analysis supports that this missense variant has a deleterious effect on protein structure/function; Has not been previously published as pathogenic or benign to our knowledge

NM_000875.5(IGF1R):c.3256G>A (p.Asp1086Asn)

Gene: IGF1R (insulin like growth factor 1 receptor; plus strand). Cytogenetic location: 15q26.3.
Variant type: single nucleotide variant.
Coding change: c.3256G>A on transcript NM_000875.5 (MANE Select); coding-DNA position 3256, G replaced by A.
Protein change: p.Asp1086Asn; replaces aspartic acid 1086 with asparagine.
Molecular consequence: missense variant.
Genome position (GRCh38, 1-based): chr15:98,935,385, G>A. VCF-style: chr15-98935385-G-A. GRCh37 (hg19) VCF-style: chr15-99478614-G-A.
Other names: c.3253G>A, p.Asp1085Asn (NM_001291858.2); short protein forms D1085N, D1086N.
Identifiers: ClinVar variation 3899460 (VCV003899460.1).